The following is an entry in ClinVar:

ClinVar aggregate classification (germline): Pathogenic (1 of 4 stars; one submission).

Conditions:
Glycogen storage disease type III (GSD3). Also called: Cori disease; FORBES DISEASE. Identifiers: Orphanet 366, MedGen C0017922, MONDO:0009291, OMIM 232400.

Submission:

Labcorp Genetics (formerly Invitae), Labcorp
Classification: Pathogenic for Glycogen storage disease type III. Last evaluated: 2021-10-29. Review status: criteria provided, single submitter. Criteria: Invitae Variant Classification Sherloc (09022015). Collection method: clinical testing. Allele origin: germline.
Comment: For these reasons, this variant has been classified as Pathogenic. This variant has not been reported in the literature in individuals affected with AGL-related conditions. This variant is not present in population databases (gnomAD no frequency). This sequence change creates a premature translational stop signal (p.Ile699Argfs*20) in the AGL gene. It is expected to result in an absent or disrupted protein product. Loss-of-function variants in AGL are known to be pathogenic (PMID: 19299494).

Literature cited by the submitters: PubMed 19299494.

NM_000642.3(AGL):c.2094_2127del (p.Ile699fs)

Gene: AGL (amylo-alpha-1,6-glucosidase and 4-alpha-glucanotransferase; plus strand). Cytogenetic location: 1p21.2.
Variant type: Deletion.
Coding change: c.2094_2127del on transcript NM_000642.3 (MANE Select); coding-DNA positions 2094 to 2127, 34 bases deleted.
Protein change: p.Ile699fs; shifts the reading frame from isoleucine 699.
Molecular consequence: frameshift variant.
Genome position (GRCh38, 1-based): chr1:99,881,384-99,881,417, 34 bases deleted; deleting any 34 consecutive bases within chr1:99,881,381-99,881,417 gives the same sequence; the c. name uses the placement nearest the transcript's 3' end. GRCh37 (hg19): chr1:100,346,940-100,346,973.
Other names: c.2094_2127del34, p.Ile699Argfs (NM_000028.3, NM_000643.3, NM_000644.3 and 2 more transcripts); c.2046_2079del34, p.Ile683Argfs (NM_000646.3); c.1893_1926del34, p.Ile632Argfs (NM_001425327.1); c.1890_1923del34, p.Ile631Argfs (NM_001425328.1, NM_001425329.1); c.1716_1749del34, p.Ile573Argfs (NM_001425332.1); short protein forms I699fs, I683fs.
Identifiers: ClinVar variation 1460259 (VCV001460259.6), dbSNP rs2100759667, ClinGen allele CA2573131992.